The following is an entry in ClinVar:

ClinVar aggregate classification (germline): Uncertain significance (1 of 4 stars; one submission).

Conditions:
Primary ciliary dyskinesia. Also called: Ciliary dyskinesia. Identifiers: Orphanet 244, MedGen C0008780, MONDO:0016575, HP:0012265.

Submission:

Labcorp Genetics (formerly Invitae), Labcorp
Classification: Uncertain significance for Primary ciliary dyskinesia. Last evaluated: 2022-08-15. Review status: criteria provided, single submitter. Criteria: Invitae Variant Classification Sherloc (09022015). Collection method: clinical testing. Allele origin: germline.
Comment: Experimental studies and prediction algorithms are not available or were not evaluated, and the functional significance of this variant is currently unknown. In summary, the available evidence is currently insufficient to determine the role of this variant in disease. Therefore, it has been classified as a Variant of Uncertain Significance. This variant has not been reported in the literature in individuals affected with RPGR (ORF15)-related conditions. This variant is not present in population databases (gnomAD no frequency). This sequence change replaces lysine, which is basic and polar, with methionine, which is neutral and non-polar, at codon 1106 of the RPGR (ORF15) protein (p.Lys1106Met).

NM_001034853.2(RPGR):c.3317A>T (p.Lys1106Met)

Gene: RPGR (retinitis pigmentosa GTPase regulator; minus strand). Cytogenetic location: Xp11.4.
Variant type: single nucleotide variant.
Coding change: c.3317A>T on transcript NM_001034853.2 (MANE Select); coding-DNA position 3317, A replaced by T.
Protein change: p.Lys1106Met; replaces lysine 1106 with methionine.
Molecular consequence: missense variant. On other transcripts: intron variant (8).
Genome position (GRCh38, 1-based): chrX:38,285,682, T>A on the plus strand (A>T on the coding strand, the complement: RPGR is on the minus strand). VCF-style: chrX-38285682-T-A. GRCh37 (hg19) VCF-style: chrX-38144935-T-A.
Other names: c.1569+5277A>T (NM_001367249.1, NM_001367250.1); c.1902+1412A>T (NM_001367245.1); c.1386+5277A>T (NM_001367251.1); c.1719+1412A>T (NM_001367246.1); c.1572+5277A>T (NM_001367247.1); c.1905+1412A>T (NM_000328.3); c.1602+5277A>T (NM_001367248.1); short protein forms K1106M.
Identifiers: ClinVar variation 2147832 (VCV002147832.4), dbSNP rs574644551, ClinGen allele CA412727142.
Genomic context (GRCh38, chrX:38,285,682, plus strand): 5'-GACTGGACTGGCATTTTGGACCTCTGCTCTTTCCCATTTCCCTGTGTGTTAGTAACTGAC[T>A]TTTTTTGATATGTTTTATGTTTGCCATATTTCACAGATCCTTTTATTTTGCTCACTTTTT-3'
Protein context (NP_001030025.1, residues 1096-1116): KYGKHKTYQK[Lys1106Met]SVTNTQGNGK